The following is an entry in ClinVar:

NM_001042492.3(NF1):c.2251+1G>T

Gene: NF1 (neurofibromin 1; plus strand). Cytogenetic location: 17q11.2.
Variant type: single nucleotide variant.
Coding change: c.2251+1G>T on transcript NM_001042492.3 (MANE Select); the canonical splice donor site of the intron after coding-DNA position 2251, G replaced by T.
Molecular consequence: splice donor variant.
Genome position (GRCh38, 1-based): chr17:31,226,685, G>T. VCF-style: chr17-31226685-G-T. GRCh37 (hg19) VCF-style: chr17-29553703-G-T.
Other names: c.2251+1G>T (NM_000267.4).
Identifiers: ClinVar variation 996448 (VCV000996448.6), dbSNP rs1555613843, ClinGen allele CA398982601.

ClinVar aggregate classification (germline): Pathogenic/Likely pathogenic. Review status: criteria provided, multiple submitters, no conflicts (2 of 4 stars). 2 submissions from 2 submitters: Pathogenic (1); Likely pathogenic (1). Last evaluated 2025-04-09.

Conditions:
Neurofibromatosis, type 1 (NF1). Also called: Neurofibromatosis, type I; VON RECKLINGHAUSEN DISEASE; NEUROFIBROMATOSIS, TYPE I, SOMATIC; Peripheral type neurofibromatosis. Identifiers: Orphanet 636, MedGen C0027831, MONDO:0018975, OMIM 162200. Disease mechanism: loss of function.

Submissions (2):

Labcorp Genetics (formerly Invitae), Labcorp
Classification: Pathogenic for Neurofibromatosis, type 1. Last evaluated: 2025-04-09. Review status: criteria provided, single submitter. Criteria: Invitae Variant Classification Sherloc (09022015). Collection method: clinical testing. Allele origin: germline.
Comment: This sequence change affects a donor splice site in intron 18 of the NF1 gene. It is expected to disrupt RNA splicing. Variants that disrupt the donor or acceptor splice site typically lead to a loss of protein function (PMID: 16199547), and loss-of-function variants in NF1 are known to be pathogenic (PMID: 10712197, 23913538). This variant is not present in population databases (gnomAD no frequency). Disruption of this splice site has been observed in individual(s) with neurofibromatosis type I (PMID: 12872266, 31730495). ClinVar contains an entry for this variant (Variation ID: 996448). Algorithms developed to predict the effect of sequence changes on RNA splicing suggest that this variant may disrupt the consensus splice site. For these reasons, this variant has been classified as Pathogenic.

Genome Diagnostics Laboratory, The Hospital for Sick Children
Classification: Likely pathogenic for Neurofibromatosis, type 1. Last evaluated: 2020-10-26. Review status: criteria provided, single submitter. Criteria: ACMG Guidelines, 2015. Collection method: clinical testing. Allele origin: germline. Affected: yes.

Literature cited by the submitters: PubMed 16199547 (cited by Labcorp Genetics (formerly Invitae), Labcorp); PubMed 10712197 (cited by Labcorp Genetics (formerly Invitae), Labcorp); PubMed 23913538 (cited by Labcorp Genetics (formerly Invitae), Labcorp); PubMed 12872266 (cited by Labcorp Genetics (formerly Invitae), Labcorp); PubMed 31730495 (cited by Labcorp Genetics (formerly Invitae), Labcorp).